The following is an entry in ClinVar:

ClinVar aggregate classification (germline): Uncertain significance (1 of 4 stars; one submission).

Allele frequency attached by ClinVar (database versions not stated): gnomAD 0.00001; ExAC 0.00002; TOPMed 0.00002.
gnomAD v4.1: 74 of 1,613,662 alleles (0.0046%); highest among the groups gnomAD compares: Non-Finnish European, 0.0061%; no homozygotes.

Submission:

Labcorp Genetics (formerly Invitae), Labcorp
Classification: Uncertain significance. Last evaluated: 2025-04-27. Review status: criteria provided, single submitter. Criteria: Invitae Variant Classification Sherloc (09022015). Collection method: clinical testing. Allele origin: germline.
Comment: This sequence change replaces threonine, which is neutral and polar, with isoleucine, which is neutral and non-polar, at codon 425 of the EFEMP1 protein (p.Thr425Ile). This variant is present in population databases (rs780161368, gnomAD 0.007%). This variant has not been reported in the literature in individuals affected with EFEMP1-related conditions. ClinVar contains an entry for this variant (Variation ID: 1485699). Invitae Evidence Modeling of protein sequence and biophysical properties (such as structural, functional, and spatial information, amino acid conservation, physicochemical variation, residue mobility, and thermodynamic stability) indicates that this missense variant is not expected to disrupt EFEMP1 protein function with a negative predictive value of 80%. In summary, the available evidence is currently insufficient to determine the role of this variant in disease. Therefore, it has been classified as a Variant of Uncertain Significance.

NM_001039348.3(EFEMP1):c.1274C>T (p.Thr425Ile)

Gene: EFEMP1 (EGF-like fibulin extracellular matrix protein 1; minus strand). Cytogenetic location: 2p16.1.
Variant type: single nucleotide variant.
Coding change: c.1274C>T on transcript NM_001039348.3 (MANE Select); coding-DNA position 1274, C replaced by T.
Protein change: p.Thr425Ile; replaces threonine 425 with isoleucine.
Molecular consequence: missense variant.
Genome position (GRCh38, 1-based): chr2:55,870,766, G>A on the plus strand (C>T on the coding strand, the complement: EFEMP1 is on the minus strand). VCF-style: chr2-55870766-G-A. GRCh37 (hg19) VCF-style: chr2-56097901-G-A.
Other names: c.1274C>T, p.Thr425Ile (NM_001039349.3); short protein forms T425I.
Identifiers: ClinVar variation 1485699 (VCV001485699.8), dbSNP rs780161368, ClinGen allele CA1668720.
Genomic context (GRCh38, chr2:55,870,766, plus strand): 5'-TTCAGGATACTTACTCGTAGGTAGAACTCTCCATTTTCATTTCCAGATTTAATCCGAAAA[G>A]TATTGATGGTGTTGGCATAAATAGTTGTGGCCTGTATCTGGAAGATGTCTGATGGCACAG-3'
Protein context (NP_001034437.1, residues 415-435): ATTIYANTIN[Thr425Ile]FRIKSGNENG